The following is an entry in ClinVar:

ClinVar aggregate classification (germline): Likely benign (0 of 4 stars; one submission).

Conditions:
PLXNA2-related disorder. Also called: PLXNA2-related condition.

gnomAD v4.1: 6 of 1,557,454 alleles (0.00039%); highest among the groups gnomAD compares: African/African-American, 0.0028%; no homozygotes.

Submission:

PreventionGenetics, part of Exact Sciences
Classification: Likely benign for PLXNA2-related condition. Last evaluated: 2024-08-20. Review status: no assertion criteria provided. Collection method: clinical testing. Allele origin: germline.
Comment: This variant is classified as likely benign based on ACMG/AMP sequence variant interpretation guidelines (Richards et al. 2015 PMID: 25741868, with internal and published modifications).

NM_025179.4(PLXNA2):c.5589+10G>A

Gene: PLXNA2 (plexin A2; minus strand). Cytogenetic location: 1q32.2.
Variant type: single nucleotide variant.
Coding change: c.5589+10G>A on transcript NM_025179.4 (MANE Select); 10 bases into the intron after coding-DNA position 5589, G replaced by A.
Molecular consequence: intron variant.
Genome position (GRCh38, 1-based): chr1:208,027,999, C>T on the plus strand (G>A on the coding strand, the complement: PLXNA2 is on the minus strand). VCF-style: chr1-208027999-C-T. GRCh37 (hg19) VCF-style: chr1-208201344-C-T.
Identifiers: ClinVar variation 3353826 (VCV003353826.1).